The following is an entry in ClinVar:

ClinVar aggregate classification (germline): Uncertain significance (1 of 4 stars; one submission).

Conditions:
Popliteal pterygium syndrome (PPS). Identifiers: Orphanet 294963, MedGen C0265259, MONDO:0017435.
Van der Woude syndrome. Identifiers: Orphanet 888, MedGen C0175697, MONDO:0019508.
Orofacial cleft 6, susceptibility to (OFC6). Also called: CLEFT LIP WITH OR WITHOUT CLEFT PALATE, NONSYNDROMIC, 6. Identifiers: MedGen C1837213, MONDO:0012141, OMIM 608864.

Submission:

Labcorp Genetics (formerly Invitae), Labcorp
Classification: Uncertain significance for Orofacial cleft 6, susceptibility to; Van der Woude syndrome; Popliteal pterygium syndrome. Last evaluated: 2020-09-03. Review status: criteria provided, single submitter. Criteria: Invitae Variant Classification Sherloc (09022015). Collection method: clinical testing. Allele origin: germline.
Comment: This variant is not present in population databases (ExAC no frequency). This sequence change replaces phenylalanine with leucine at codon 93 of the IRF6 protein (p.Phe93Leu). The phenylalanine residue is highly conserved and there is a small physicochemical difference between phenylalanine and leucine. This variant has not been reported in the literature in individuals with IRF6-related conditions. In summary, the available evidence is currently insufficient to determine the role of this variant in disease. Therefore, it has been classified as a Variant of Uncertain Significance. Advanced modeling of protein sequence and biophysical properties (such as structural, functional, and spatial information, amino acid conservation, physicochemical variation, residue mobility, and thermodynamic stability) performed at Invitae indicates that this missense variant is expected to disrupt IRF6 protein function.

NM_006147.4(IRF6):c.277T>C (p.Phe93Leu)

Gene: IRF6 (interferon regulatory factor 6; minus strand). Cytogenetic location: 1q32.2.
Variant type: single nucleotide variant.
Coding change: c.277T>C on transcript NM_006147.4 (MANE Select); coding-DNA position 277, T replaced by C.
Protein change: p.Phe93Leu; replaces phenylalanine 93 with leucine.
Molecular consequence: missense variant. On other transcripts: 5 prime UTR variant (1).
Genome position (GRCh38, 1-based): chr1:209,796,450, A>G on the plus strand (T>C on the coding strand, the complement: IRF6 is on the minus strand). VCF-style: chr1-209796450-A-G. GRCh37 (hg19) VCF-style: chr1-209969795-A-G.
Other names: c.-9T>C (NM_001206696.2); short protein forms F93L.
Identifiers: ClinVar variation 1025351 (VCV001025351.10), dbSNP rs2077901853, ClinGen allele CA344583167.